The following is an entry in ClinVar:

NM_001042492.3(NF1):c.8258A>T (p.Glu2753Val)

Gene: NF1 (neurofibromin 1; plus strand). Cytogenetic location: 17q11.2.
Variant type: single nucleotide variant.
Coding change: c.8258A>T on transcript NM_001042492.3 (MANE Select); coding-DNA position 8258, A replaced by T.
Protein change: p.Glu2753Val; replaces glutamic acid 2753 with valine.
Molecular consequence: missense variant.
Genome position (GRCh38, 1-based): chr17:31,360,584, A>T. VCF-style: chr17-31360584-A-T. GRCh37 (hg19) VCF-style: chr17-29687602-A-T.
Other names: c.8195A>T, p.Glu2732Val (NM_000267.4); short protein forms E2732V, E2753V.
Identifiers: ClinVar variation 5025616 (VCV005025616.1).

ClinVar aggregate classification (germline): Uncertain significance (1 of 4 stars; one submission).

Conditions:
Cardiovascular phenotype. Identifiers: MedGen CN230736.
Hereditary cancer-predisposing syndrome. Also called: Neoplastic Syndromes, Hereditary; Tumor predisposition; Hereditary neoplastic syndrome; Hereditary Cancer Syndrome. Identifiers: Orphanet 140162, MedGen C0027672, MeSH D009386, MONDO:0015356.

Submission:

Ambry Genetics
Classification: Uncertain significance for Cardiovascular phenotype; Hereditary cancer-predisposing syndrome. Last evaluated: 2026-08-08. Review status: criteria provided, single submitter. Criteria: Ambry Variant Classification Scheme 2023. Collection method: clinical testing. Allele origin: germline.
Comment: The p.E2732V variant (also known as c.8195A>T), located in coding exon 56 of the NF1 gene, results from an A to T substitution at nucleotide position 8195. The glutamic acid at codon 2732 is replaced by valine, an amino acid with dissimilar properties. This amino acid position is conserved. In addition, this alteration is predicted to be tolerated by in silico analysis. Based on the available evidence, the clinical significance of this variant remains unclear.